The following is an entry in ClinVar:

ClinVar aggregate classification (germline): Likely benign. Review status: reviewed by expert panel (3 of 4 stars). 8 submissions from 8 submitters: Likely benign (1). 7 of the submissions do not count toward it. Last evaluated 2017-06-29.

Conditions:
Hereditary cancer-predisposing syndrome. Also called: Tumor predisposition; Neoplastic Syndromes, Hereditary; Hereditary Cancer Syndrome; Hereditary neoplastic syndrome. Identifiers: Orphanet 140162, MedGen C0027672, MeSH D009386, MONDO:0015356.
Hereditary breast ovarian cancer syndrome. Also called: Hereditary breast and ovarian cancer syndrome (HBOC); Hereditary breast and ovarian cancer syndrome; Hereditary breast and ovarian cancer; Hereditary breast and/or ovarian cancer syndrome; Breast and ovarian cancer; BRCA1- and BRCA2-Associated Hereditary Breast and Ovarian Cancer. Identifiers: Orphanet 145, MedGen C0677776, MeSH D061325, MONDO:0003582. Disease mechanism: loss of function.
Breast-ovarian cancer, familial, susceptibility to, 1 (BROVCA1). Also called: OVARIAN CANCER, SUSCEPTIBILITY TO; BRCA1 Hereditary Breast and Ovarian Cancer. Identifiers: Orphanet 145, MedGen C2676676, MONDO:0011450, OMIM 604370. Disease mechanism: loss of function.

Allele frequency attached by ClinVar (database versions not stated): TOPMed below 0.00001; gnomAD 0.00001; gnomAD exomes 0.00001.
gnomAD v4.1: 9 of 1,604,408 alleles (0.00056%); highest among the groups gnomAD compares: Non-Finnish European, 0.00077%; no homozygotes.

Submissions (8):

Evidence-based Network for the Interpretation of Germline Mutant Alleles (ENIGMA)
Classification: Likely benign for Breast-ovarian cancer, familial, susceptibility to, 1. Last evaluated: 2017-06-29. Review status: reviewed by expert panel. Criteria: ENIGMA BRCA1/2 Classification Criteria (2017-06-29). Collection method: curation. Allele origin: germline.
Comment: Synonymous substitution variant, with low bioinformatic likelihood to result in a splicing aberration (Splicing prior probability 0.02).

Labcorp Genetics (formerly Invitae), Labcorp
Classification: Likely benign for Hereditary breast ovarian cancer syndrome. Last evaluated: 2026-01-31. Review status: criteria provided, single submitter. Criteria: Invitae Variant Classification Sherloc (09022015). Collection method: clinical testing. Allele origin: germline. Not counted in ClinVar's aggregate classification.

Color Diagnostics, LLC DBA Color Health
Classification: Likely benign for Hereditary cancer-predisposing syndrome. Last evaluated: 2019-09-09. Review status: criteria provided, single submitter. Criteria: ACMG Guidelines, 2015. Collection method: clinical testing. Allele origin: germline. Not counted in ClinVar's aggregate classification.

Quest Diagnostics Nichols Institute San Juan Capistrano
Classification: Likely benign. Last evaluated: 2019-08-21. Review status: criteria provided, single submitter. Criteria: Quest Diagnostics criteria. Collection method: clinical testing. Allele origin: germline. Not counted in ClinVar's aggregate classification.

Women's Health and Genetics/Laboratory Corporation of America, LabCorp
Classification: Likely benign. Last evaluated: 2019-06-30. Review status: criteria provided, single submitter. Criteria: LabCorp Variant Classification Summary - May 2015. Collection method: clinical testing. Allele origin: germline. Not counted in ClinVar's aggregate classification.

GeneDx
Classification: Benign. Last evaluated: 2015-09-28. Review status: criteria provided, single submitter. Criteria: GeneDx Variant Classification Process June 2021. Collection method: clinical testing. Allele origin: germline. Affected: yes. Not counted in ClinVar's aggregate classification.

Ambry Genetics
Classification: Likely benign for Hereditary cancer-predisposing syndrome. Last evaluated: 2015-09-06. Review status: criteria provided, single submitter. Criteria: Ambry Variant Classification Scheme 2023. Collection method: clinical testing. Allele origin: germline. Not counted in ClinVar's aggregate classification.

Sharing Clinical Reports Project (SCRP)
Classification: Likely benign for Breast-ovarian cancer, familial 1. Last evaluated: 2006-06-27. Review status: no assertion criteria provided. Collection method: clinical testing. Allele origin: germline. Not counted in ClinVar's aggregate classification.

NM_007294.4(BRCA1):c.543A>G (p.Glu181=)

Gene: BRCA1 (BRCA1 DNA repair associated; minus strand). Cytogenetic location: 17q21.31.
Variant type: single nucleotide variant.
Coding change: c.543A>G on transcript NM_007294.4 (MANE Select); coding-DNA position 543, A replaced by G.
Protein change: p.Glu181=; no amino-acid change (glutamic acid 181 retained).
Molecular consequence: synonymous variant. On other transcripts: intron variant (2).
Genome position (GRCh38, 1-based): chr17:43,099,779, T>C on the plus strand (A>G on the coding strand, the complement: BRCA1 is on the minus strand). VCF-style: chr17-43099779-T-C. GRCh37 (hg19) VCF-style: chr17-41251796-T-C.
Other names: E181E; 662A>G; c.540A>G, p.Glu180= (NM_001407672.1, NM_001407673.1, NM_001407685.1 and 65 more transcripts); c.543A>G, p.Glu181= (NM_001407674.1, NM_001407675.1, NM_001407676.1 and 97 more transcripts); c.402A>G, p.Glu134= (NM_001407692.1, NM_001407694.1, NM_001407695.1 and 61 more transcripts); c.399A>G, p.Glu133= (NM_001407740.1, NM_001407741.1, NM_001407742.1 and 35 more transcripts); c.330A>G, p.Glu110= (NM_001407853.1, NM_001407894.1, NM_001407895.1 and 18 more transcripts); c.465A>G, p.Glu155= (NM_001407862.1, NM_001408409.1, NM_001408411.1 and 12 more transcripts); and 7 more.
Identifiers: ClinVar variation 37671 (VCV000037671.26), dbSNP rs397507250, ClinGen allele CA003597.
Genomic context (GRCh38, chr17:43,099,779, plus strand): 5'-TAAGATAAGGAATCCAGCAATTATTATTAAATACTTAAAAAACCTGAGACCCTTACCCAA[T>C]TCAATGTAGACAGACGTCTTTTGAGGTTGTATCCGCTGCTTTGTCCTCAGAGTTCTCACA-3'
Protein context (NP_009225.1, residues 171-191): IQPQKTSVYI[Glu181=]LGSDSSEDTV